The following is an entry in ClinVar:

NM_007294.4(BRCA1):c.1677_1678del (p.Asp560fs)

Gene: BRCA1 (BRCA1 DNA repair associated; minus strand). Cytogenetic location: 17q21.31.
Variant type: Deletion.
Coding change: c.1677_1678del on transcript NM_007294.4 (MANE Select); coding-DNA positions 1677 to 1678, 2 bases deleted (TG; older notation c.1677_1678delTG).
Protein change: p.Asp560fs; shifts the reading frame from aspartic acid 560.
Molecular consequence: frameshift variant. On other transcripts: intron variant (137).
Genome position (GRCh38, 1-based): chr17:43,093,853-43,093,854, CA deleted on the plus strand (TG on the coding strand, the reverse complement: BRCA1 is on the minus strand); deleting any 2 consecutive bases within chr17:43,093,853-43,093,855 gives the same sequence; the c. name uses the placement nearest the transcript's 3' end. VCF-style (leftmost placement, unchanged base first): chr17-43093852-TCA-T. GRCh37 (hg19) VCF-style: chr17-41245869-TCA-T.
Other names: c.1413_1414del, p.Asp472fs (NM_001407928.1, NM_001407929.1, NM_001407933.1 and 9 more transcripts); c.1344_1345del, p.Asp449fs (NM_001407946.1, NM_001407947.1, NM_001407948.1 and 6 more transcripts); c.1551_1552del, p.Asp518fs (NM_001407941.1, NM_001407940.1, NM_001407649.1 and 11 more transcripts); c.1536_1537del, p.Asp513fs (NM_001407942.1, NM_001407944.1, NM_001407945.1 and 29 more transcripts); c.1533_1534del, p.Asp512fs (NM_001407943.1, NM_001407740.1, NM_001407741.1 and 20 more transcripts); c.1410_1411del, p.Asp471fs (NM_001407932.1, NM_001407934.1, NM_001407936.1 and 2 more transcripts); c.1554_1555del, p.Asp519fs (NM_001407937.1, NM_001407938.1, NM_001407939.1 and 19 more transcripts); c.789_790del, p.Asp264fs (NM_001407966.1, NM_001407967.1); and 42 more; short protein forms D513fs, D560fs, D448fs, D492fs, D512fs, D519fs, D533fs, D534fs.
Identifiers: ClinVar variation 834291 (VCV000834291.10), dbSNP rs2053901700, ClinGen allele CA916080227.

ClinVar aggregate classification (germline): Pathogenic. Review status: criteria provided, multiple submitters, no conflicts (2 of 4 stars). 2 submissions from 2 submitters: Pathogenic (2). Last evaluated 2024-11-27.

Conditions:
Hereditary breast ovarian cancer syndrome. Also called: Hereditary breast and ovarian cancer syndrome; Breast and ovarian cancer; BRCA1- and BRCA2-Associated Hereditary Breast and Ovarian Cancer; Hereditary breast and ovarian cancer; Hereditary breast and/or ovarian cancer syndrome; Hereditary breast and ovarian cancer syndrome (HBOC). Identifiers: Orphanet 145, MedGen C0677776, MeSH D061325, MONDO:0003582. Disease mechanism: loss of function.
Hereditary cancer-predisposing syndrome. Also called: Hereditary neoplastic syndrome; Neoplastic Syndromes, Hereditary; Tumor predisposition; Hereditary Cancer Syndrome. Identifiers: Orphanet 140162, MedGen C0027672, MeSH D009386, MONDO:0015356.

Submissions (2):

Labcorp Genetics (formerly Invitae), Labcorp
Classification: Pathogenic for Hereditary breast ovarian cancer syndrome. Last evaluated: 2024-11-27. Review status: criteria provided, single submitter. Criteria: Invitae Variant Classification Sherloc (09022015). Collection method: clinical testing. Allele origin: germline.
Comment: This sequence change creates a premature translational stop signal (p.Asp560Phefs*5) in the BRCA1 gene. It is expected to result in an absent or disrupted protein product. Loss-of-function variants in BRCA1 are known to be pathogenic (PMID: 20104584). This variant is not present in population databases (gnomAD no frequency). This variant has not been reported in the literature in individuals affected with BRCA1-related conditions. ClinVar contains an entry for this variant (Variation ID: 834291). For these reasons, this variant has been classified as Pathogenic.

Ambry Genetics
Classification: Pathogenic for Hereditary cancer-predisposing syndrome. Last evaluated: 2024-02-01. Review status: criteria provided, single submitter. Criteria: Ambry Variant Classification Scheme 2023. Collection method: clinical testing. Allele origin: germline.
Comment: The c.1677_1678delTG pathogenic mutation, located in coding exon 9 of the BRCA1 gene, results from a deletion of two nucleotides at nucleotide positions 1677 to 1678, causing a translational frameshift with a predicted alternate stop codon (p.D560Ffs*5). This variant is considered to be rare based on population cohorts in the Genome Aggregation Database (gnomAD). This alteration is expected to result in loss of function by premature protein truncation or nonsense-mediated mRNA decay. As such, this alteration is interpreted as a disease-causing mutation.

Literature cited by the submitters: PubMed 20104584 (cited by Labcorp Genetics (formerly Invitae), Labcorp).